The following is an entry in ClinVar:

ClinVar aggregate classification (germline): Uncertain significance (1 of 4 stars; one submission).

Conditions:
Inborn genetic diseases. Identifiers: MedGen C0950123, MeSH D030342.

gnomAD v4.1: 1 of 1,608,818 alleles (0.000062%); highest among the groups gnomAD compares: Non-Finnish European, 0.000085%; no homozygotes.

Submission:

Ambry Genetics
Classification: Uncertain significance for Inborn genetic diseases. Last evaluated: 2022-05-07. Review status: criteria provided, single submitter. Criteria: Ambry Variant Classification Scheme 2023. Collection method: clinical testing. Allele origin: germline.
Comment: The p.K93E variant (also known as c.277A>G), located in coding exon 3 of the EPAS1 gene, results from an A to G substitution at nucleotide position 277. The lysine at codon 93 is replaced by glutamic acid, an amino acid with similar properties. This amino acid position is conserved. In addition, the in silico prediction for this alteration is inconclusive. Since supporting evidence is limited at this time, the clinical significance of this alteration remains unclear.

NM_001430.5(EPAS1):c.277A>G (p.Lys93Glu)

Gene: EPAS1 (endothelial PAS domain protein 1; plus strand). Cytogenetic location: 2p21.
Variant type: single nucleotide variant.
Coding change: c.277A>G on transcript NM_001430.5 (MANE Select); coding-DNA position 277, A replaced by G.
Protein change: p.Lys93Glu; replaces lysine 93 with glutamic acid.
Molecular consequence: missense variant.
Genome position (GRCh38, 1-based): chr2:46,356,210, A>G. VCF-style: chr2-46356210-A-G. GRCh37 (hg19) VCF-style: chr2-46583349-A-G.
Other names: short protein forms K93E.
Identifiers: ClinVar variation 1795895 (VCV001795895.2), dbSNP rs2546450408, ClinGen allele CA346697791.